The following is an entry in ClinVar:

ClinVar aggregate classification (germline): Uncertain significance (1 of 4 stars; one submission).

Conditions:
Intellectual developmental disorder, X-linked, syndromic, Stocco dos Santos type. Also called: STOCCO DOS SANTOS X-LINKED MENTAL RETARDATION SYNDROME; Stocco dos Santos syndrome; X-linked intellectual disability, Stocco dos Santos type. Identifiers: Orphanet 85288, MedGen C1845530, MONDO:0010325, OMIM 300434.

Allele frequency attached by ClinVar (database versions not stated): gnomAD exomes 0.00001.
gnomAD v4.1: 7 of 1,209,269 alleles (0.00058%); highest among the groups gnomAD compares: Non-Finnish European, 0.00078%; no homozygotes.

Submission:

Baylor Genetics
Classification: Uncertain significance for Intellectual developmental disorder, X-linked, syndromic, Stocco dos Santos type. Last evaluated: 2019-09-22. Review status: criteria provided, single submitter. Criteria: ACMG Guidelines, 2015. Collection method: clinical testing. Allele origin: unknown. Affected: yes.
Comment: This variant was determined to be of uncertain significance according to ACMG Guidelines, 2015 [PMID:25741868].

NM_020717.5(SHROOM4):c.1157A>G (p.Glu386Gly)

Gene: SHROOM4 (shroom family member 4; minus strand). Cytogenetic location: Xp11.22.
Variant type: single nucleotide variant.
Coding change: c.1157A>G on transcript NM_020717.5 (MANE Select); coding-DNA position 1157, A replaced by G.
Protein change: p.Glu386Gly; replaces glutamic acid 386 with glycine.
Molecular consequence: missense variant. On other transcripts: non-coding transcript variant (4).
Genome position (GRCh38, 1-based): chrX:50,634,916, T>C on the plus strand (A>G on the coding strand, the complement: SHROOM4 is on the minus strand). VCF-style: chrX-50634916-T-C. GRCh37 (hg19) VCF-style: chrX-50377916-T-C.
Other names: short protein forms E386G.
Identifiers: ClinVar variation 1029769 (VCV001029769.1), dbSNP rs1931268073, ClinGen allele CA413122536.